The following is an entry in ClinVar:

NM_007217.4(PDCD10):c.160_161del (p.Glu54fs)

Gene: PDCD10 (programmed cell death 10; minus strand). Cytogenetic location: 3q26.1.
Variant type: Deletion.
Coding change: c.160_161del on transcript NM_007217.4 (MANE Select); coding-DNA positions 160 to 161, 2 bases deleted (GA; older notation c.160_161delGA).
Protein change: p.Glu54fs; shifts the reading frame from glutamic acid 54.
Molecular consequence: frameshift variant.
Genome position (GRCh38, 1-based): chr3:167,697,116-167,697,117, TC deleted on the plus strand (GA on the coding strand, the reverse complement: PDCD10 is on the minus strand); deleting any 2 consecutive bases within chr3:167,697,116-167,697,118 gives the same sequence; the c. name uses the placement nearest the transcript's 3' end. VCF-style (leftmost placement, unchanged base first): chr3-167697115-TTC-T. GRCh37 (hg19) VCF-style: chr3-167414903-TTC-T.
Other names: c.160_161del, p.Glu54fs (NM_145859.2, NM_145860.2); short protein forms E54fs.
Identifiers: ClinVar variation 1430959 (VCV001430959.6), dbSNP rs2108409594, ClinGen allele CA2573136728.

ClinVar aggregate classification (germline): Pathogenic (1 of 4 stars; one submission).

Conditions:
Cerebral cavernous malformation 3. Also called: Familial Cerebral Cavernous Malformation 3. Identifiers: Orphanet 221061, MedGen C1864040, MONDO:0011305, OMIM 603285.

Submission:

Labcorp Genetics (formerly Invitae), Labcorp
Classification: Pathogenic for Cerebral cavernous malformation 3. Last evaluated: 2021-10-10. Review status: criteria provided, single submitter. Criteria: Invitae Variant Classification Sherloc (09022015). Collection method: clinical testing. Allele origin: germline.
Comment: For these reasons, this variant has been classified as Pathogenic. This variant has not been reported in the literature in individuals affected with PDCD10-related conditions. This variant is not present in population databases (ExAC no frequency). This sequence change creates a premature translational stop signal (p.Glu54Lysfs*21) in the PDCD10 gene. It is expected to result in an absent or disrupted protein product. Loss-of-function variants in PDCD10 are known to be pathogenic (PMID: 15543491, 18300272, 23801932).

Literature cited by the submitters: PubMed 15543491; PubMed 18300272; PubMed 23801932.